The following is an entry in ClinVar:

NM_004058.5(CAPS):c.53G>A (p.Arg18His)

Gene: CAPS (calcyphosine; plus strand). Cytogenetic location: 19p13.3.
Variant type: single nucleotide variant.
Coding change: c.53G>A on transcript NM_004058.5 (MANE Select); coding-DNA position 53, G replaced by A.
Protein change: p.Arg18His; replaces arginine 18 with histidine.
Molecular consequence: missense variant.
Genome position (GRCh38, 1-based): chr19:5,914,459, G>A. VCF-style: chr19-5914459-G-A. GRCh37 (hg19) VCF-style: chr19-5914470-G-A.
Other names: c.53G>A, p.Arg18His (NM_080590.4); short protein forms R18H.
Identifiers: ClinVar variation 781743 (VCV000781743.6), dbSNP rs143117009, ClinGen allele CA9119292.

ClinVar aggregate classification (germline): Benign. Review status: criteria provided, multiple submitters, no conflicts (2 of 4 stars). 3 submissions from 3 submitters: Benign (2). 1 of the submissions does not count toward it. Last evaluated 2018-07-26.

Conditions:
CAPS-related disorder. Also called: CAPS-related condition.

Allele frequency attached by ClinVar (database versions not stated): 1000 Genomes Project 30x 0.00281; TOPMed 0.00802; gnomAD exomes 0.00808 and 0.01359; gnomAD 0.00850 and 0.00806; ESP Exome Variant Server 0.01092; 1000 Genomes Project 0.00339; ExAC 0.00815.
gnomAD v4.1: 21,184 of 1,612,424 alleles (1.3%); highest among the groups gnomAD compares: Non-Finnish European, 1.6%; 191 homozygotes.

Submissions (3):

Labcorp Genetics (formerly Invitae), Labcorp
Classification: Benign. Last evaluated: 2018-07-26. Review status: criteria provided, single submitter. Criteria: Invitae Variant Classification Sherloc (09022015). Collection method: clinical testing. Allele origin: germline.

Breakthrough Genomics
Classification: Benign. Review status: criteria provided, single submitter. Criteria: ACMG Guidelines, 2015. Collection method: not provided. Allele origin: germline. Inheritance: Unknown mechanism. Affected: yes.

PreventionGenetics, part of Exact Sciences
Classification: Benign for CAPS-related condition. Last evaluated: 2019-08-09. Review status: no assertion criteria provided. Collection method: clinical testing. Allele origin: germline. Not counted in ClinVar's aggregate classification.
Comment: This variant is classified as benign based on ACMG/AMP sequence variant interpretation guidelines (Richards et al. 2015 PMID: 25741868, with internal and published modifications).